The following is an entry in ClinVar:

NM_000400.4(ERCC2):c.950-3C>A

Gene: ERCC2 (ERCC excision repair 2, TFIIH core complex helicase subunit; minus strand). Cytogenetic location: 19q13.32.
Variant type: single nucleotide variant.
Coding change: c.950-3C>A on transcript NM_000400.4 (MANE Select); 3 bases into the intron before coding-DNA position 950, C replaced by A.
Molecular consequence: intron variant.
Genome position (GRCh38, 1-based): chr19:45,363,914, G>T on the plus strand (C>A on the coding strand, the complement: ERCC2 is on the minus strand). VCF-style: chr19-45363914-G-T. GRCh37 (hg19) VCF-style: chr19-45867172-G-T.
Other names: c.878-3C>A (NM_001130867.2).
Identifiers: ClinVar variation 2736909 (VCV002736909.4), dbSNP rs770882876, ClinGen allele CA9513560.

ClinVar aggregate classification (germline): Conflicting classifications of pathogenicity. Review status: criteria provided, conflicting classifications (1 of 4 stars). 2 submissions from 2 submitters: Likely pathogenic (1); Uncertain significance (1). Last evaluated 2026-02-19.

Conditions:
ERCC2-related disorder. Also called: ERCC2-related disorders; ERCC2-related conditions; ERCC2-related condition. Identifiers: MedGen CN239291.

Submissions (2):

Myriad Genetics, Inc.
Classification: Uncertain significance for ERCC2-related disorder. Last evaluated: 2026-02-19. Review status: criteria provided, single submitter. Criteria: Myriad Autosomal Dominant, Autosomal Recessive and X-Linked Classification Criteria (2023). Collection method: clinical testing. Allele origin: unknown.
Comment: NM_000400.3(ERCC2):c.950-3C>A is an intronic variant classified as a variant of uncertain significance in the context of ERCC2-related disorders. c.950-3C>A has been observed in a case with relevant disease (PMID: 19085937). Relevant functional assessments of this variant are available in the literature (PMID: 19085937). c.950-3C>A has not been observed in referenced population frequency databases. In summary, there is insufficient evidence to classify NM_000400.3(ERCC2):c.950-3C>A as pathogenic or benign. Please note: this variant was assessed in the context of healthy population screening.

Labcorp Genetics (formerly Invitae), Labcorp
Classification: Likely pathogenic. Last evaluated: 2022-12-16. Review status: criteria provided, single submitter. Criteria: Invitae Variant Classification Sherloc (09022015). Collection method: clinical testing. Allele origin: germline.
Comment: In summary, the currently available evidence indicates that the variant is pathogenic, but additional data are needed to prove that conclusively. Therefore, this variant has been classified as Likely Pathogenic. Variants that disrupt the consensus splice site are a relatively common cause of aberrant splicing (PMID: 17576681, 9536098). Studies have shown that this variant is associated with altered splicing resulting in multiple RNA products (PMID: 19085937). This variant has been observed in individual(s) with photosensitive trichothiodystrophy (PMID: 19085937). In at least one individual the data is consistent with being in trans (on the opposite chromosome) from a pathogenic variant. This variant is not present in population databases (gnomAD no frequency). This sequence change falls in intron 10 of the ERCC2 gene. It does not directly change the encoded amino acid sequence of the ERCC2 protein. It affects a nucleotide within the consensus splice site.

Literature cited by the submitters: PubMed 19085937 (cited by Myriad Genetics, Inc. and Labcorp Genetics (formerly Invitae), Labcorp); PubMed 17576681 (cited by Labcorp Genetics (formerly Invitae), Labcorp); PubMed 9536098 (cited by Labcorp Genetics (formerly Invitae), Labcorp).